The following is an entry in ClinVar:

NM_000890.5(KCNJ5):c.103A>G (p.Ile35Val)

Gene: KCNJ5 (potassium inwardly rectifying channel subfamily J member 5; plus strand). Cytogenetic location: 11q24.3.
Variant type: single nucleotide variant.
Coding change: c.103A>G on transcript NM_000890.5 (MANE Select); coding-DNA position 103, A replaced by G.
Protein change: p.Ile35Val; replaces isoleucine 35 with valine.
Molecular consequence: missense variant.
Genome position (GRCh38, 1-based): chr11:128,911,376, A>G. VCF-style: chr11-128911376-A-G. GRCh37 (hg19) VCF-style: chr11-128781271-A-G.
Other names: c.103A>G, p.Ile35Val (NM_001354169.2); short protein forms I35V.
Identifiers: ClinVar variation 3692939 (VCV003692939.3).

ClinVar aggregate classification (germline): Uncertain significance. Review status: criteria provided, multiple submitters, no conflicts (2 of 4 stars). 2 submissions from 2 submitters: Uncertain significance (2). Last evaluated 2026-06-22.

Conditions:
Long QT syndrome (LQTS). Identifiers: MedGen C0023976, MeSH D008133, MONDO:0002442. Disease mechanism: loss of function. Inheritance: Various modes of inheritance.
Cardiovascular phenotype. Identifiers: MedGen CN230736.

gnomAD v4.1: 7 of 1,614,066 alleles (0.00043%); highest among the groups gnomAD compares: Admixed American, 0.005%; no homozygotes.

Submissions (2):

Ambry Genetics
Classification: Uncertain significance for Cardiovascular phenotype. Last evaluated: 2026-06-22. Review status: criteria provided, single submitter. Criteria: Ambry Variant Classification Scheme 2023. Collection method: clinical testing. Allele origin: germline.
Comment: The p.I35V variant (also known as c.103A>G), located in coding exon 1 of the KCNJ5 gene, results from an A to G substitution at nucleotide position 103. The isoleucine at codon 35 is replaced by valine, an amino acid with highly similar properties. This amino acid position is conserved. In addition, this alteration is predicted to be tolerated by in silico analysis. Based on the available evidence, the clinical significance of this variant remains unclear.

Labcorp Genetics (formerly Invitae), Labcorp
Classification: Uncertain significance for Long QT syndrome. Last evaluated: 2025-03-24. Review status: criteria provided, single submitter. Criteria: Invitae Variant Classification Sherloc (09022015). Collection method: clinical testing. Allele origin: germline.
Comment: This sequence change replaces isoleucine, which is neutral and non-polar, with valine, which is neutral and non-polar, at codon 35 of the KCNJ5 protein (p.Ile35Val). This variant is present in population databases (rs752900890, gnomAD 0.003%). This variant has not been reported in the literature in individuals affected with KCNJ5-related conditions. Invitae Evidence Modeling of protein sequence and biophysical properties (such as structural, functional, and spatial information, amino acid conservation, physicochemical variation, residue mobility, and thermodynamic stability) indicates that this missense variant is not expected to disrupt KCNJ5 protein function with a negative predictive value of 95%. In summary, the available evidence is currently insufficient to determine the role of this variant in disease. Therefore, it has been classified as a Variant of Uncertain Significance.